The following is an entry in ClinVar:

NM_014714.4(IFT140):c.70C>T (p.His24Tyr)

Genes: IFT140 (intraflagellar transport 140; minus strand), LOC105371046 (uncharacterized LOC105371046; plus strand). Cytogenetic location: 16p13.3.
Variant type: single nucleotide variant.
Coding change: c.70C>T on transcript NM_014714.4 (MANE Select); coding-DNA position 70, C replaced by T.
Protein change: p.His24Tyr; replaces histidine 24 with tyrosine.
Molecular consequence: missense variant.
Genome position (GRCh38, 1-based): chr16:1,607,197, G>A on the plus strand (C>T on the coding strand, the complement: IFT140 is on the minus strand). VCF-style: chr16-1607197-G-A. GRCh37 (hg19) VCF-style: chr16-1657198-G-A.
Other names: short protein forms H24Y.
Identifiers: ClinVar variation 446632 (VCV000446632.18), dbSNP rs939722027, ClinGen allele CA276686056.

ClinVar aggregate classification (germline): Conflicting classifications of pathogenicity. Review status: criteria provided, conflicting classifications (1 of 4 stars). 7 submissions from 7 submitters: Likely pathogenic (1); Uncertain significance (4). 2 of the submissions do not count toward it. Last evaluated 2025-11-01.

Conditions:
Jeune thoracic dystrophy. Also called: Jeune syndrome; Infantile thoracic dystrophy; Thoracic pelvic phalangeal dystrophy; Jeune's syndrome; Chondroectodermal dysplasia-like syndrome; Short-rib thoracic dysplasia. Identifiers: Orphanet 474, MedGen C0265275, MONDO:0018770.
Saldino-Mainzer syndrome (SRTD9). Also called: short-rib thoracic dysplasia 9 with or without polydactyly; Renal dysplasia, retinal pigmentary dystrophy, cerebellar ataxia and skeletal dysplasia; SHORT-RIB THORACIC DYSPLASIA 9 WITHOUT POLYDACTYLY; CONORENAL SYNDROME. Identifiers: Orphanet 140969, MedGen C1849437, MONDO:0009964, OMIM 266920.

Allele frequency attached by ClinVar (database versions not stated): gnomAD exomes below 0.00001; gnomAD 0.00002; TOPMed 0.00006.
gnomAD v4.1: 8 of 1,614,024 alleles (0.0005%); highest among the groups gnomAD compares: Admixed American, 0.0033%; no homozygotes.

Submissions (7):

CeGaT Center for Human Genetics Tuebingen
Classification: Uncertain significance. Last evaluated: 2025-11-01. Review status: criteria provided, single submitter. Criteria: CeGaT Center For Human Genetics Tuebingen Variant Classification Criteria Version 2. Collection method: clinical testing. Allele origin: germline. Affected: yes. Observed: 1 variant allele.
Comment: IFT140: PM2, BP4

Labcorp Genetics (formerly Invitae), Labcorp
Classification: Uncertain significance for Saldino-Mainzer syndrome. Last evaluated: 2025-09-08. Review status: criteria provided, single submitter. Criteria: Invitae Variant Classification Sherloc (09022015). Collection method: clinical testing. Allele origin: germline.
Comment: This sequence change replaces histidine, which is basic and polar, with tyrosine, which is neutral and polar, at codon 24 of the IFT140 protein (p.His24Tyr). This variant is present in population databases (no rsID available, gnomAD 0.003%). This missense change has been observed in individuals with clinical features of IFT140-related conditions (PMID: 29068549; internal data). ClinVar contains an entry for this variant (Variation ID: 446632). Invitae Evidence Modeling of protein sequence and biophysical properties (such as structural, functional, and spatial information, amino acid conservation, physicochemical variation, residue mobility, and thermodynamic stability) indicates that this missense variant is not expected to disrupt IFT140 protein function with a negative predictive value of 80%. In summary, the available evidence is currently insufficient to determine the role of this variant in disease. Therefore, it has been classified as a Variant of Uncertain Significance.

Dasa
Classification: Uncertain significance. Last evaluated: 2025-05-14. Review status: criteria provided, single submitter. Criteria: DASA Assertion Criteria. Collection method: clinical testing. Allele origin: germline.
Comment: NM_014714.4(IFT140):c.70C>T (p.His24Tyr) is a missense variant that results in the substitution of histidine with tyrosine. This variant has been reported in individuals with IFT140-related disorders (PMID: 29068549). Also, this variant is rare in population databases. The currently available literature and clinical evidence are not sufficient to establish a definitive association between this variant and the reported condition. Therefore, this variant is classified as a variant of uncertain significance.

GeneDx
Classification: Likely pathogenic. Last evaluated: 2025-02-07. Review status: criteria provided, single submitter. Criteria: GeneDx Variant Classification Process June 2021. Collection method: clinical testing. Allele origin: germline. Affected: yes.
Comment: Not observed at significant frequency in large population cohorts (gnomAD); In silico analysis supports that this missense variant has a deleterious effect on protein structure/function; This variant is associated with the following publications: (PMID: 31589614, 29068549)

Blueprint Genetics
Classification: Uncertain significance. Last evaluated: 2022-06-29. Review status: criteria provided, single submitter. Criteria: ACMG Guidelines, 2015. Collection method: clinical testing. Allele origin: germline.

Dan Cohn Lab, University Of California Los Angeles
Classification: Pathogenic for Asphyxiating thoracic dystrophy. Last evaluated: 2017-06-01. Review status: no assertion criteria provided. Collection method: research. Allele origin: paternal. Affected: yes. Not counted in ClinVar's aggregate classification.

University of Washington Center for Mendelian Genomics, University of Washington
Classification: Likely pathogenic for asphyxiating thoracic dystrophy. Review status: no assertion criteria provided. Collection method: research. Allele origin: inherited. Affected: yes. Not counted in ClinVar's aggregate classification.

Literature cited by the submitters: PubMed 29068549 (cited by 4 submitters).